The following is an entry in ClinVar:

NM_003482.4(KMT2D):c.16012T>C (p.Cys5338Arg)

Gene: KMT2D (lysine methyltransferase 2D; minus strand). Cytogenetic location: 12q13.12.
Variant type: single nucleotide variant.
Coding change: c.16012T>C on transcript NM_003482.4 (MANE Select); coding-DNA position 16012, T replaced by C.
Protein change: p.Cys5338Arg; replaces cysteine 5338 with arginine.
Molecular consequence: missense variant.
Genome position (GRCh38, 1-based): chr12:49,024,618, A>G on the plus strand (T>C on the coding strand, the complement: KMT2D is on the minus strand). VCF-style: chr12-49024618-A-G. GRCh37 (hg19) VCF-style: chr12-49418401-A-G.
Other names: short protein forms C5338R.
Identifiers: ClinVar variation 392898 (VCV000392898.2), dbSNP rs1057524689, ClinGen allele CA16606557.

ClinVar aggregate classification (germline): Likely pathogenic (1 of 4 stars; one submission).

Submission:

GeneDx
Classification: Likely pathogenic. Last evaluated: 2017-01-30. Review status: criteria provided, single submitter. Criteria: GeneDx Variant Classification (06012015). Collection method: clinical testing. Allele origin: germline. Affected: yes.
Comment: The C5338R variant in the KMT2D gene has not been reported previously as a pathogenic variant, nor as a benign variant, to our knowledge. The C5338R variant was not observed in approximately 6,200 individuals of European and African American ancestry in the NHLBI Exome Sequencing Project, indicating it is not a common benign variant in these populations. The C5338R variant is a non-conservative amino acid substitution, which is likely to impact secondary protein structure as these residues differ in polarity, charge, size and/or other properties. In addition, this substitution occurs at a position that is conserved across species, and in silico analysis predicts this variant is probably damaging to the protein structure/function. We interpret C5338R as a likely pathogenic variant.